The following is an entry in ClinVar:

NM_030665.4(RAI1):c.5398_5400del (p.Asp1800del)

Gene: RAI1 (retinoic acid induced 1; plus strand). Cytogenetic location: 17p11.2.
Variant type: Deletion.
Coding change: c.5398_5400del on transcript NM_030665.4 (MANE Select); coding-DNA positions 5398 to 5400, 3 bases deleted (GAC; older notation c.5398_5400delGAC).
Protein change: p.Asp1800del; deletes aspartic acid 1800.
Molecular consequence: inframe deletion.
Genome position (GRCh38, 1-based): chr17:17,798,346-17,798,348, GAC deleted; deleting any 3 consecutive bases within chr17:17,798,345-17,798,348 gives the same sequence; the c. name uses the placement nearest the transcript's 3' end. VCF-style (leftmost placement, unchanged base first): chr17-17798344-CCGA-C. GRCh37 (hg19) VCF-style: chr17-17701658-CCGA-C.
Other names: short protein forms D1800del.
Identifiers: ClinVar variation 1965718 (VCV001965718.5), dbSNP rs1416239125, ClinGen allele CA726658870.

ClinVar aggregate classification (germline): Uncertain significance (1 of 4 stars; one submission).

Submission:

Labcorp Genetics (formerly Invitae), Labcorp
Classification: Uncertain significance. Last evaluated: 2022-06-26. Review status: criteria provided, single submitter. Criteria: Invitae Variant Classification Sherloc (09022015). Collection method: clinical testing. Allele origin: germline.
Comment: In summary, the available evidence is currently insufficient to determine the role of this variant in disease. Therefore, it has been classified as a Variant of Uncertain Significance. Experimental studies and prediction algorithms are not available or were not evaluated, and the functional significance of this variant is currently unknown. This variant has not been reported in the literature in individuals affected with RAI1-related conditions. This variant is not present in population databases (gnomAD no frequency). This variant, c.5398_5400del, results in the deletion of 1 amino acid(s) of the RAI1 protein (p.Asp1800del), but otherwise preserves the integrity of the reading frame.